The following is an entry in ClinVar:

ClinVar aggregate classification (germline): Benign/Likely benign. Review status: criteria provided, multiple submitters, no conflicts (2 of 4 stars). 7 submissions from 7 submitters: Benign (3); Likely benign (4). Last evaluated 2026-01-14.

Conditions:
Nephrolithiasis/nephrocalcinosis. Identifiers: MedGen CN580796.
Charcot-Marie-Tooth Neuropathy X. Identifiers: MedGen CN118851.

Allele frequency attached by ClinVar (database versions not stated): gnomAD exomes 0.00026 and 0.00040; ExAC 0.00038; ESP Exome Variant Server 0.00047; gnomAD 0.00058 and 0.00059; 1000 Genomes Project 0.00079; 1000 Genomes Project 30x 0.00104; TOPMed 0.00112.
gnomAD v4.1: 384 of 1,210,304 alleles (0.032%); highest among the groups gnomAD compares: Middle Eastern, 0.11%; 1 homozygote.

Submissions (7):

Labcorp Genetics (formerly Invitae), Labcorp
Classification: Benign for Charcot-Marie-Tooth Neuropathy X. Last evaluated: 2026-01-14. Review status: criteria provided, single submitter. Criteria: Invitae Variant Classification Sherloc (09022015). Collection method: clinical testing. Allele origin: germline.

Blueprint Genetics
Classification: Likely benign. Last evaluated: 2024-09-12. Review status: criteria provided, single submitter. Criteria: ACMG Guidelines, 2015. Collection method: clinical testing. Allele origin: germline.

GeneDx
Classification: Benign. Last evaluated: 2021-03-26. Review status: criteria provided, single submitter. Criteria: GeneDx Variant Classification Process June 2021. Collection method: clinical testing. Allele origin: germline. Affected: yes.
Comment: This variant is associated with the following publications: (PMID: 19377476)

CeGaT Center for Human Genetics Tuebingen
Classification: Likely benign. Last evaluated: 2020-04-01. Review status: criteria provided, single submitter. Criteria: CeGaT Center For Human Genetics Tuebingen Variant Classification Criteria Version 2. Collection method: clinical testing. Allele origin: germline. Affected: yes. Observed: 1 variant allele.

Ambry Genetics
Classification: Likely benign for Nephrolithiasis/nephrocalcinosis. Last evaluated: 2019-07-11. Review status: criteria provided, single submitter. Criteria: Ambry Variant Classification Scheme 2023. Collection method: clinical testing. Allele origin: germline.

Eurofins Ntd Llc (ga)
Classification: Benign. Last evaluated: 2016-07-15. Review status: criteria provided, single submitter. Criteria: EGL Classification Definitions 2015. Collection method: clinical testing. Allele origin: germline. Observed: 1 variant allele, 1 hemizygote.

Laboratory for Molecular Medicine, Mass General Brigham Personalized Medicine
Classification: Likely benign. Last evaluated: 2015-05-17. Review status: criteria provided, single submitter. Criteria: LMM Criteria. Collection method: clinical testing. Allele origin: germline. Observed: 2 variant alleles.
Comment: p.Ser314Ser in exon 7 of PRPS1: This variant is not expected to have clinical si gnificance because it does not alter an amino acid residue, is not located withi n the splice consensus sequence, and has been identified in 33/87762 of chromoso mes (including 12 hemizygous individuals) by the Exome Aggregation Consortium (E xAC; dbSNP rs147731055).

NM_002764.4(PRPS1):c.942C>T (p.Ser314=)

Gene: PRPS1 (phosphoribosyl pyrophosphate synthetase 1; plus strand). Cytogenetic location: Xq22.3.
Variant type: single nucleotide variant.
Coding change: c.942C>T on transcript NM_002764.4 (MANE Select); coding-DNA position 942, C replaced by T.
Protein change: p.Ser314=; no amino-acid change (serine 314 retained).
Molecular consequence: synonymous variant.
Genome position (GRCh38, 1-based): chrX:107,650,017, C>T. VCF-style: chrX-107650017-C-T. GRCh37 (hg19) VCF-style: chrX-106893247-C-T.
Other names: c.330C>T, p.Ser110= (NM_001204402.2).
Identifiers: ClinVar variation 227882 (VCV000227882.61), dbSNP rs147731055, ClinGen allele CA10485700.